The following is an entry in ClinVar:

ClinVar aggregate classification (germline): Uncertain significance (1 of 4 stars; one submission).

gnomAD v4.1: 1 of 1,555,130 alleles (0.000064%); highest among the groups gnomAD compares: Non-Finnish European, 0.000087%; no homozygotes.

Submission:

Labcorp Genetics (formerly Invitae), Labcorp
Classification: Uncertain significance. Last evaluated: 2025-04-22. Review status: criteria provided, single submitter. Criteria: Invitae Variant Classification Sherloc (09022015). Collection method: clinical testing. Allele origin: germline.
Comment: This sequence change replaces aspartic acid, which is acidic and polar, with valine, which is neutral and non-polar, at codon 140 of the TERF2IP protein (p.Asp140Val). This variant is not present in population databases (gnomAD no frequency). This variant has not been reported in the literature in individuals affected with TERF2IP-related conditions. An algorithm developed to predict the effect of missense changes on protein structure and function (PolyPhen-2) suggests that this variant is likely to be disruptive. In summary, the available evidence is currently insufficient to determine the role of this variant in disease. Therefore, it has been classified as a Variant of Uncertain Significance.

NM_018975.4(TERF2IP):c.419A>T (p.Asp140Val)

Gene: TERF2IP (TERF2 interacting protein; plus strand). Cytogenetic location: 16q23.1.
Variant type: single nucleotide variant.
Coding change: c.419A>T on transcript NM_018975.4 (MANE Select); coding-DNA position 419, A replaced by T.
Protein change: p.Asp140Val; replaces aspartic acid 140 with valine.
Molecular consequence: missense variant. On other transcripts: non-coding transcript variant (1).
Genome position (GRCh38, 1-based): chr16:75,648,301, A>T. VCF-style: chr16-75648301-A-T. GRCh37 (hg19) VCF-style: chr16-75682199-A-T.
Other names: short protein forms D140V.
Identifiers: ClinVar variation 4691239 (VCV004691239.1).